The following is an entry in ClinVar:

ClinVar aggregate classification (germline): Uncertain significance (1 of 4 stars; one submission).

Conditions:
Autosomal dominant polycystic kidney disease. Identifiers: Orphanet 730, MedGen C0085413, MONDO:0004691.

Allele frequency attached by ClinVar (database versions not stated): gnomAD 0.00001; TOPMed 0.00001; ExAC 0.00009.
gnomAD v4.1: 4 of 1,497,412 alleles (0.00027%); highest among the groups gnomAD compares: African/African-American, 0.0043%; no homozygotes.

Submission:

Labcorp Genetics (formerly Invitae), Labcorp
Classification: Uncertain significance for Autosomal dominant polycystic kidney disease. Last evaluated: 2025-01-27. Review status: criteria provided, single submitter. Criteria: Invitae Variant Classification Sherloc (09022015). Collection method: clinical testing. Allele origin: germline.
Comment: This sequence change replaces proline, which is neutral and non-polar, with arginine, which is basic and polar, at codon 77 of the PKD2 protein (p.Pro77Arg). This variant is present in population databases (rs780923138, gnomAD 0.04%). This variant has not been reported in the literature in individuals affected with PKD2-related conditions. ClinVar contains an entry for this variant (Variation ID: 2192308). An algorithm developed to predict the effect of missense changes on protein structure and function (PolyPhen-2) suggests that this variant is likely to be disruptive. In summary, the available evidence is currently insufficient to determine the role of this variant in disease. Therefore, it has been classified as a Variant of Uncertain Significance.

NM_000297.4(PKD2):c.230C>G (p.Pro77Arg)

Genes: PKD2 (polycystin 2, transient receptor potential cation channel; plus strand), LOC129992813 (ATAC-STARR-seq lymphoblastoid silent region 15559; plus strand). Cytogenetic location: 4q22.1.
Variant type: single nucleotide variant.
Coding change: c.230C>G on transcript NM_000297.4 (MANE Select); coding-DNA position 230, C replaced by G.
Protein change: p.Pro77Arg; replaces proline 77 with arginine.
Molecular consequence: missense variant. On other transcripts: non-coding transcript variant (1).
Genome position (GRCh38, 1-based): chr4:88,007,963, C>G. VCF-style: chr4-88007963-C-G. GRCh37 (hg19) VCF-style: chr4-88929115-C-G.
Other names: short protein forms P77R.
Identifiers: ClinVar variation 2192308 (VCV002192308.4), dbSNP rs780923138, ClinGen allele CA3003718.